The following is an entry in ClinVar:

ClinVar aggregate classification (germline): Uncertain significance. Review status: criteria provided, single submitter (1 of 4 stars). 2 submissions from 2 submitters: Uncertain significance (1). 1 of the submissions does not count toward it. Last evaluated 2023-11-28.

Conditions:
Autosomal dominant nonsyndromic hearing loss 70. Also called: Deafness, autosomal dominant 70. Identifiers: Orphanet 90635, MedGen C4310775, MONDO:0014853, OMIM 616968.

Allele frequency attached by ClinVar (database versions not stated): gnomAD exomes below 0.00001 and 0.00001; TOPMed 0.00001; ExAC 0.00002.

Submissions (2):

Laboratory of Medical Genetics, National & Kapodistrian University of Athens
Classification: Uncertain significance for Autosomal dominant nonsyndromic hearing loss 70. Last evaluated: 2023-11-28. Review status: criteria provided, single submitter. Criteria: ACMG Guidelines, 2015. Collection method: clinical testing. Allele origin: germline. Affected: yes.
Comment: PM2, PP3, BP1 - Low frequency in gnomAD population databases. In silico prediction tools estimated that the variant could be damaging for the protein function/stracture.

Comprehensive Medical Genetic Center, Shiraz University of Medical Sciences
Classification: Likely pathogenic for Autosomal dominant nonsyndromic hearing loss 70. Review status: no assertion criteria provided. Collection method: clinical testing. Allele origin: inherited. Inheritance: Autosomal dominant inheritance. Affected: yes. Observed: 1 heterozygote. Not counted in ClinVar's aggregate classification.

NM_004526.4(MCM2):c.388C>T (p.Arg130Cys)

Gene: MCM2 (minichromosome maintenance complex component 2; plus strand). Cytogenetic location: 3q21.3.
Variant type: single nucleotide variant.
Coding change: c.388C>T on transcript NM_004526.4 (MANE Select); coding-DNA position 388, C replaced by T.
Protein change: p.Arg130Cys; replaces arginine 130 with cysteine.
Molecular consequence: missense variant. On other transcripts: non-coding transcript variant (1).
Genome position (GRCh38, 1-based): chr3:127,604,759, C>T. VCF-style: chr3-127604759-C-T. GRCh37 (hg19) VCF-style: chr3-127323602-C-T.
Other names: short protein forms R130C.
Identifiers: ClinVar variation 1338855 (VCV001338855.3), dbSNP rs770528099, ClinGen allele CA2595541.
Genomic context (GRCh38, chr3:127,604,759, plus strand): 5'-AGGGAGGCAGCAGAGCGGGCCATGCGGCAGCGTGACCGGGAGGCTGGCCGGGGCCTGGGC[C>T]GCATGCGCCGTGGGCTCCTGTATGGTAGGTCCAGTTGTCTGCCTGCCCGAGGGACTGGGA-3'
Protein context (NP_004517.2, residues 120-140): RDREAGRGLG[Arg130Cys]MRRGLLYDSD